The following is an entry in ClinVar:

ClinVar aggregate classification (germline): Uncertain significance (1 of 4 stars; one submission).

Submission:

Ambry Genetics
Classification: Uncertain significance. Last evaluated: 2024-02-26. Review status: criteria provided, single submitter. Criteria: Ambry Variant Classification Scheme 2023. Collection method: clinical testing. Allele origin: germline.
Comment: The p.C1395R variant (also known as c.4183T>C), located in coding exon 4 of the ALPK2 gene, results from a T to C substitution at nucleotide position 4183. The cysteine at codon 1395 is replaced by arginine, an amino acid with highly dissimilar properties. This amino acid position is conserved. In addition, this alteration is predicted to be tolerated by in silico analysis. Based on the available evidence, the clinical significance of this alteration remains unclear.

NM_052947.4(ALPK2):c.4183T>C (p.Cys1395Arg)

Genes: ALPK2 (alpha kinase 2; minus strand), LOC126862764 (BRD4-independent group 4 enhancer GRCh37_chr18:56202574-56203773; plus strand). Cytogenetic location: 18q21.31.
Variant type: single nucleotide variant.
Coding change: c.4183T>C on transcript NM_052947.4 (MANE Select); coding-DNA position 4183, T replaced by C.
Protein change: p.Cys1395Arg; replaces cysteine 1395 with arginine.
Molecular consequence: missense variant.
Genome position (GRCh38, 1-based): chr18:58,536,004, A>G on the plus strand (T>C on the coding strand, the complement: ALPK2 is on the minus strand). VCF-style: chr18-58536004-A-G. GRCh37 (hg19) VCF-style: chr18-56203236-A-G.
Other names: short protein forms C1395R.
Identifiers: ClinVar variation 3228725 (VCV003228725.1), dbSNP rs2518875256, ClinGen allele CA402563797.